The following is an entry in ClinVar:

ClinVar aggregate classification (germline): Uncertain significance (1 of 4 stars; one submission).

Conditions:
Ullrich congenital muscular dystrophy 2 (UCMD2). Identifiers: Orphanet 75840, MedGen C4225314, MONDO:0014654, OMIM 616470.
Bethlem myopathy 2 (BTHLM2). Identifiers: Orphanet 536516, Orphanet 610, MedGen C4225313, MONDO:0034022, OMIM 616471.

Submission:

Labcorp Genetics (formerly Invitae), Labcorp
Classification: Uncertain significance for Bethlem myopathy 2; Ullrich congenital muscular dystrophy 2. Last evaluated: 2021-02-21. Review status: criteria provided, single submitter. Criteria: Invitae Variant Classification Sherloc (09022015). Collection method: clinical testing. Allele origin: germline.
Comment: This variant is not present in population databases (ExAC no frequency). This sequence change replaces aspartic acid with asparagine at codon 1955 of the COL12A1 protein (p.Asp1955Asn). The aspartic acid residue is moderately conserved and there is a small physicochemical difference between aspartic acid and asparagine. In summary, the available evidence is currently insufficient to determine the role of this variant in disease. Therefore, it has been classified as a Variant of Uncertain Significance. Algorithms developed to predict the effect of missense changes on protein structure and function are either unavailable or do not agree on the potential impact of this missense change (SIFT: "Deleterious"; PolyPhen-2: "Benign"; Align-GVGD: "Class C0"). This variant has not been reported in the literature in individuals with COL12A1-related conditions.

NM_004370.6(COL12A1):c.5863G>A (p.Asp1955Asn)

Gene: COL12A1 (collagen type XII alpha 1 chain; minus strand). Cytogenetic location: 6q13.
Variant type: single nucleotide variant.
Coding change: c.5863G>A on transcript NM_004370.6 (MANE Select); coding-DNA position 5863, G replaced by A.
Protein change: p.Asp1955Asn; replaces aspartic acid 1955 with asparagine.
Molecular consequence: missense variant.
Genome position (GRCh38, 1-based): chr6:75,132,014, C>T on the plus strand (G>A on the coding strand, the complement: COL12A1 is on the minus strand). VCF-style: chr6-75132014-C-T. GRCh37 (hg19) VCF-style: chr6-75841730-C-T.
Other names: c.2371G>A, p.Asp791Asn (NM_080645.3); short protein forms D791N, D1955N.
Identifiers: ClinVar variation 1345883 (VCV001345883.8), dbSNP rs2149385355, ClinGen allele CA364732936.
Genomic context (GRCh38, chr6:75,132,014, plus strand): 5'-TTGTGCCATCCACAGGAGAATACACAACGCGATATTGCAGCACAGGTCCTGGAGCAGGGT[C>T]CCAGCGAACATCGAGGCTGTTAGGTGTAGGATTGTATACTTGGACATTTCTTGCCAGTCC-3'
Protein context (NP_004361.3, residues 1945-1965): PTPNSLDVRW[Asp1955Asn]PAPGPVLQYR